The following is an entry in ClinVar:

ClinVar aggregate classification (germline): Uncertain significance (1 of 4 stars; one submission).

Conditions:
Cardiovascular phenotype. Identifiers: MedGen CN230736.

Allele frequency attached by ClinVar (database versions not stated): TOPMed below 0.00001 and 0.00001; gnomAD 0.00001; gnomAD exomes 0.00001; ESP Exome Variant Server 0.00008.
gnomAD v4.1: 8 of 1,613,954 alleles (0.0005%); highest among the groups gnomAD compares: Non-Finnish European, 0.00068%; no homozygotes.

Submission:

Ambry Genetics
Classification: Uncertain significance for Cardiovascular phenotype. Last evaluated: 2023-02-16. Review status: criteria provided, single submitter. Criteria: Ambry Variant Classification Scheme 2023. Collection method: clinical testing. Allele origin: germline.
Comment: The p.I3337V variant (also known as c.10009A>G), located in coding exon 26 of the APOB gene, results from an A to G substitution at nucleotide position 10009. The isoleucine at codon 3337 is replaced by valine, an amino acid with highly similar properties. This amino acid position is conserved. In addition, this alteration is predicted to be tolerated by in silico analysis. Since supporting evidence is limited at this time, the clinical significance of this alteration remains unclear.

NM_000384.3(APOB):c.10009A>G (p.Ile3337Val)

Gene: APOB (apolipoprotein B; minus strand). Cytogenetic location: 2p24.1.
Variant type: single nucleotide variant.
Coding change: c.10009A>G on transcript NM_000384.3 (MANE Select); coding-DNA position 10009, A replaced by G.
Protein change: p.Ile3337Val; replaces isoleucine 3337 with valine.
Molecular consequence: missense variant.
Genome position (GRCh38, 1-based): chr2:21,006,859, T>C on the plus strand (A>G on the coding strand, the complement: APOB is on the minus strand). VCF-style: chr2-21006859-T-C. GRCh37 (hg19) VCF-style: chr2-21229731-T-C.
Other names: short protein forms I3337V.
Identifiers: ClinVar variation 3231343 (VCV003231343.1), dbSNP rs139791838, ClinGen allele CA43496679.
Genomic context (GRCh38, chr2:21,006,859, plus strand): 5'-AAAGTTCAGCATTGGTATTCAGTGTGATGACACTTGATTTAAAGGAGAAATCATAGGTAA[T>C]ATTGCCCATGGCAGGAATAAAAATATGGCTTATGGTACACAATTCCTTGAAATCTGGAAG-3'
Protein context (NP_000375.3, residues 3327-3347): SHIFIPAMGN[Ile3337Val]TYDFSFKSSV